The following is an entry in ClinVar:

NM_198525.3(KIF7):c.1841G>A (p.Arg614Lys)

Gene: KIF7 (kinesin family member 7; minus strand). Cytogenetic location: 15q26.1.
Variant type: single nucleotide variant.
Coding change: c.1841G>A on transcript NM_198525.3 (MANE Select); coding-DNA position 1841, G replaced by A.
Protein change: p.Arg614Lys; replaces arginine 614 with lysine.
Molecular consequence: missense variant.
Genome position (GRCh38, 1-based): chr15:89,645,974, C>T on the plus strand (G>A on the coding strand, the complement: KIF7 is on the minus strand). VCF-style: chr15-89645974-C-T. GRCh37 (hg19) VCF-style: chr15-90189205-C-T.
Other names: c.1841G>A (NM_198525.2); short protein forms R614K.
Identifiers: ClinVar variation 1007254 (VCV001007254.10), dbSNP rs1031698510, ClinGen allele CA274581417.

ClinVar aggregate classification (germline): Uncertain significance. Review status: criteria provided, multiple submitters, no conflicts (2 of 4 stars). 3 submissions from 3 submitters: Uncertain significance (3). Last evaluated 2024-12-02.

Conditions:
Inborn genetic diseases. Identifiers: MedGen C0950123, MeSH D030342.
Multiple epiphyseal dysplasia, Al-Gazali type. Also called: Macrocephaly with multiple epiphyseal dysplasia and distinctive facies. Identifiers: Orphanet 166024, MedGen C1846722, MONDO:0011778, OMIM 607131.
Acrocallosal syndrome (ACLS). Also called: Schinzel syndrome 1; Absence of corpus callosum with unusual facial appearance, mental deficiency, duplication of the halluces and polydactyly; HALLUX DUPLICATION, POSTAXIAL POLYDACTYLY, AND ABSENCE OF CORPUS CALLOSUM. Identifiers: Orphanet 36, MedGen C0796147, MONDO:0008708, OMIM 200990.
Hydrolethalus syndrome 2 (HLS2). Identifiers: Orphanet 2189, MedGen C3279899, MONDO:0013585, OMIM 614120.

Allele frequency attached by ClinVar (database versions not stated): gnomAD exomes below 0.00001; TOPMed 0.00003; gnomAD 0.00005 and 0.00006.

Submissions (3):

Labcorp Genetics (formerly Invitae), Labcorp
Classification: Uncertain significance for Acrocallosal syndrome. Last evaluated: 2024-12-02. Review status: criteria provided, single submitter. Criteria: Invitae Variant Classification Sherloc (09022015). Collection method: clinical testing. Allele origin: germline.
Comment: This sequence change replaces arginine, which is basic and polar, with lysine, which is basic and polar, at codon 614 of the KIF7 protein (p.Arg614Lys). This variant is present in population databases (no rsID available, gnomAD 0.008%). This variant has not been reported in the literature in individuals affected with KIF7-related conditions. ClinVar contains an entry for this variant (Variation ID: 1007254). Invitae Evidence Modeling of protein sequence and biophysical properties (such as structural, functional, and spatial information, amino acid conservation, physicochemical variation, residue mobility, and thermodynamic stability) indicates that this missense variant is not expected to disrupt KIF7 protein function with a negative predictive value of 80%. In summary, the available evidence is currently insufficient to determine the role of this variant in disease. Therefore, it has been classified as a Variant of Uncertain Significance.

Fulgent Genetics
Classification: Uncertain significance for Acrocallosal syndrome; Multiple epiphyseal dysplasia, Al-Gazali type; Hydrolethalus syndrome 2. Last evaluated: 2024-05-22. Review status: criteria provided, single submitter. Criteria: ACMG Guidelines, 2015. Collection method: clinical testing. Allele origin: germline.

Ambry Genetics
Classification: Uncertain significance for Inborn genetic diseases. Last evaluated: 2022-02-03. Review status: criteria provided, single submitter. Criteria: Ambry Variant Classification Scheme 2023. Collection method: clinical testing. Allele origin: germline.